The following is an entry in ClinVar:

NM_017780.4(CHD7):c.1882G>T (p.Glu628Ter)

Genes: CHD7 (chromodomain helicase DNA binding protein 7; plus strand), LOC126860403 (CDK7 strongly-dependent group 2 enhancer GRCh37_chr8:61693034-61694233; plus strand). Cytogenetic location: 8q12.2.
Variant type: single nucleotide variant.
Coding change: c.1882G>T on transcript NM_017780.4 (MANE Select); coding-DNA position 1882, G replaced by T.
Protein change: p.Glu628Ter; replaces glutamic acid 628 with a stop codon.
Molecular consequence: nonsense. On other transcripts: intron variant (1).
Genome position (GRCh38, 1-based): chr8:60,781,216, G>T. VCF-style: chr8-60781216-G-T. GRCh37 (hg19) VCF-style: chr8-61693775-G-T.
Other names: c.1716+166G>T (NM_001316690.1); short protein forms E628*.
Identifiers: ClinVar variation 3340862 (VCV003340862.1).

ClinVar aggregate classification (germline): Pathogenic (1 of 4 stars; one submission).

Submission:

GeneDx
Classification: Pathogenic. Last evaluated: 2024-03-02. Review status: criteria provided, single submitter. Criteria: GeneDx Variant Classification Process June 2021. Collection method: clinical testing. Allele origin: germline. Affected: yes.
Comment: Nonsense variant predicted to result in protein truncation or nonsense mediated decay in a gene for which loss of function is a known mechanism of disease; Not observed at significant frequency in large population cohorts (gnomAD); Has not been previously published as pathogenic or benign to our knowledge